The following is an entry in ClinVar:

NM_001166108.2(PALLD):c.*159C>G

Genes: CBR4 (carbonyl reductase 4; minus strand), PALLD (palladin, cytoskeletal associated protein; plus strand). Cytogenetic location: 4q32.3.
Variant type: single nucleotide variant.
Coding change: c.*159C>G on transcript NM_001166108.2 (MANE Select); 159 bases downstream of the stop codon, C replaced by G.
Molecular consequence: 3 prime UTR variant. On other transcripts: missense variant (4).
Genome position (GRCh38, 1-based): chr4:168,926,339, C>G. VCF-style: chr4-168926339-C-G. GRCh37 (hg19) VCF-style: chr4-169847490-C-G.
Other names: c.2288C>G, p.Ser763Cys (NM_001166109.2); c.1973C>G, p.Ser658Cys (NM_001166110.2); c.*159C>G (NM_001367567.1, NM_001367570.1, NM_016081.4); c.1364C>G, p.Ser455Cys (NM_001367568.1); c.1313C>G, p.Ser438Cys (NM_001367569.1); short protein forms S438C, S658C, S763C, S455C.
Identifiers: ClinVar variation 4826078 (VCV004826078.1).

ClinVar aggregate classification (germline): Uncertain significance (1 of 4 stars; one submission).

Submission:

Ambry Genetics
Classification: Uncertain significance. Last evaluated: 2026-03-14. Review status: criteria provided, single submitter. Criteria: Ambry Variant Classification Scheme 2023. Collection method: clinical testing. Allele origin: germline.
Comment: The p.S658C variant (also known as c.1973C>G), located in coding exon 11 of the PALLD gene, results from a C to G substitution at nucleotide position 1973. The serine at codon 658 is replaced by cysteine, an amino acid with dissimilar properties. This amino acid position is conserved. In addition, this alteration is predicted to be tolerated by in silico analysis. Based on the available evidence, the clinical significance of this variant remains unclear.